The following is an entry in ClinVar:

ClinVar aggregate classification (germline): Pathogenic. Review status: reviewed by expert panel (3 of 4 stars). 2 submissions from 2 submitters: Pathogenic (1). 1 of the submissions does not count toward it. Last evaluated 2017-12-15.

Conditions:
Breast-ovarian cancer, familial, susceptibility to, 1 (BROVCA1). Also called: OVARIAN CANCER, SUSCEPTIBILITY TO; BRCA1 Hereditary Breast and Ovarian Cancer. Identifiers: Orphanet 145, MedGen C2676676, MONDO:0011450, OMIM 604370. Disease mechanism: loss of function.
Familial cancer of breast. Also called: Hereditary breast cancer; hereditary breast carcinoma; BREAST CANCER, FAMILIAL. Identifiers: Orphanet 227535, MedGen C0346153, MONDO:0016419, OMIM 114480. Disease mechanism: loss of function.

Submissions (2):

Evidence-based Network for the Interpretation of Germline Mutant Alleles (ENIGMA)
Classification: Pathogenic for Breast-ovarian cancer, familial, susceptibility to, 1. Last evaluated: 2017-12-15. Review status: reviewed by expert panel. Criteria: ENIGMA BRCA1/2 Classification Criteria (2017-06-29). Collection method: curation. Allele origin: germline. Study: ENIGMA.
Comment: Variant allele predicted to encode a truncated non-functional protein.

ClinVar Staff, National Center for Biotechnology Information (NCBI)
No classification provided. Condition: Familial cancer of breast. Review status: no classification provided. Collection method: literature only. Allele origin: germline. Affected: yes. Not counted in ClinVar's aggregate classification.

Literature cited by the submitters: PubMed 18060494 (cited by ClinVar Staff, National Center for Biotechnology Information (NCBI)).

NM_007294.4(BRCA1):c.1570del (p.Ala524fs)

Gene: BRCA1 (BRCA1 DNA repair associated; minus strand). Cytogenetic location: 17q21.31.
Variant type: Deletion.
Coding change: c.1570del on transcript NM_007294.4 (MANE Select); coding-DNA position 1570, one base deleted (G; older notation c.1570delG).
Protein change: p.Ala524fs; shifts the reading frame from alanine 524.
Molecular consequence: frameshift variant. On other transcripts: intron variant (137).
Genome position (GRCh38, 1-based): chr17:43,093,961, C deleted on the plus strand (G on the coding strand, the reverse complement: BRCA1 is on the minus strand); the first of 2 consecutive C bases (chr17:43,093,961-43,093,962); deleting either gives the same sequence. VCF-style (leftmost placement, unchanged base first): chr17-43093960-GC-G. GRCh37 (hg19) VCF-style: chr17-41245977-GC-G.
Other names: c.1570delG (NM_007294.3); c.1357del, p.Ala453fs (NM_001407571.1, NM_001407853.1, NM_001407894.1 and 9 more transcripts); c.1570del, p.Ala524fs (NM_001407581.1, NM_001407582.1, NM_001407583.1 and 30 more transcripts); c.1567del, p.Ala523fs (NM_001407587.1, NM_001407590.1, NM_001407591.1 and 22 more transcripts); c.1561del, p.Ala521fs (NM_001407646.1, NM_001407647.1); c.1447del, p.Ala483fs (NM_001407648.1, NM_001407664.1, NM_001407665.1 and 19 more transcripts); c.1444del, p.Ala482fs (NM_001407649.1, NM_001407670.1, NM_001407671.1 and 11 more transcripts); c.1492del, p.Ala498fs (NM_001407653.1, NM_001407654.1, NM_001407655.1 and 4 more transcripts); and 41 more; short protein forms A477fs, A524fs, A397fs, A413fs, A435fs, A454fs, A476fs, A483fs.
Identifiers: ClinVar variation 54296 (VCV000054296.3), dbSNP rs397508886, ClinGen allele CA001051.